The following is an entry in ClinVar:

ClinVar aggregate classification (germline): Uncertain significance. Review status: criteria provided, multiple submitters, no conflicts (2 of 4 stars). 10 submissions from 10 submitters: Uncertain significance (9). 1 of the submissions does not count toward it. Last evaluated 2026-07-01.

Conditions:
Cardiovascular phenotype. Identifiers: MedGen CN230736.
Glycogen storage disease, type II (IOPD). Also called: CARDIOMEGALIA GLYCOGENICA DIFFUSA; GLYCOGENOSIS, GENERALIZED, CARDIAC FORM; GSD II; Glycogen storage disease type 2; Acid maltase deficiency disease; Aglucosidase alfa. Identifiers: Orphanet 365, MedGen C0017921, MONDO:0009290, OMIM 232300.

Allele frequency attached by ClinVar (database versions not stated): gnomAD 0.00001 and 0.00003; TOPMed 0.00002; gnomAD exomes 0.00004 and 0.00006; ExAC 0.00007.
gnomAD v4.1: 63 of 1,609,928 alleles (0.0039%); highest among the groups gnomAD compares: South Asian, 0.035%; no homozygotes.

Submissions (10):

Genomenon, Inc
Classification: Uncertain significance for Glycogen storage disease, type II. Last evaluated: 2026-07-01. Review status: criteria provided, single submitter. Criteria: Genomenon Sequence Variant Interpretation Standards - Updated. Collection method: curation. Allele origin: germline. Affected: no.
Comment: GAA p.Val211Met (c.631G>A) is a missense variant that changes the amino acid at codon 211 from Valine to Methionine. This variant has been reported in the published literature (PMID:40225932;39375771). It is absent or not present at a significant frequency in gnomAD. In conclusion, we classify GAA p.Val211Met (c.631G>A) as a variant of uncertain significance.

Ambry Genetics
Classification: Uncertain significance for Cardiovascular phenotype. Last evaluated: 2025-12-15. Review status: criteria provided, single submitter. Criteria: Ambry Variant Classification Scheme 2023. Collection method: clinical testing. Allele origin: germline.
Comment: The p.V211M variant (also known as c.631G>A), located in coding exon 2 of the GAA gene, results from a G to A substitution at nucleotide position 631. The valine at codon 211 is replaced by methionine, an amino acid with highly similar properties. This variant was reported in individual(s) with features consistent with limb-girdle muscular weakness (Bevilacqua JA et al. Front Genet, 2024 Nov;15:1477291). This variant has been identified in conjunction with other GAA variant(s) in individual(s), but clinical details were limited (Mir M et al. J Med Case Rep, 2024 Oct;18:486). This amino acid position is not well conserved in available vertebrate species. In addition, the in silico prediction for this alteration is inconclusive. Based on the available evidence, the clinical significance of this variant remains unclear.

GeneDx
Classification: Uncertain significance. Last evaluated: 2025-12-09. Review status: criteria provided, single submitter. Criteria: GeneDx Variant Classification Process June 2021. Collection method: clinical testing. Allele origin: germline. Affected: yes.
Comment: In silico analysis suggests that this missense variant does not alter protein structure/function; Reported in the heterozygous state in a patient with limb-girdle muscular weakness (PMID: 39678382); This variant is associated with the following publications: (PMID: 40225932, 39678382, 19343043, 22253258)

Myriad Genetics, Inc.
Classification: Uncertain significance for Glycogen storage disease, type II. Last evaluated: 2025-09-10. Review status: criteria provided, single submitter. Criteria: Myriad Autosomal Dominant, Autosomal Recessive and X-Linked Classification Criteria (2023). Collection method: clinical testing. Allele origin: unknown.
Comment: NM_000152.3(GAA):c.631G>A(V211M) is a missense variant classified as a variant of uncertain significance in the context of Pompe disease. V211M has been observed in a case with relevant disease (PMID: 39375771). Relevant functional assessments of this variant are not available in the literature. V211M has been observed in referenced population frequency databases. In summary, there is insufficient evidence to classify NM_000152.3(GAA):c.631G>A(V211M) as pathogenic or benign. Please note: this variant was assessed in the context of healthy population screening.

Blueprint Genetics
Classification: Uncertain significance. Last evaluated: 2024-04-20. Review status: criteria provided, single submitter. Criteria: ACMG Guidelines, 2015. Collection method: clinical testing. Allele origin: germline.

Revvity Omics, Revvity
Classification: Uncertain significance. Last evaluated: 2023-04-19. Review status: criteria provided, single submitter. Criteria: ACMG Guidelines, 2015. Collection method: clinical testing. Allele origin: germline.

Labcorp Genetics (formerly Invitae), Labcorp
Classification: Uncertain significance for Glycogen storage disease, type II. Last evaluated: 2022-08-21. Review status: criteria provided, single submitter. Criteria: Invitae Variant Classification Sherloc (09022015). Collection method: clinical testing. Allele origin: germline.
Comment: This sequence change replaces valine, which is neutral and non-polar, with methionine, which is neutral and non-polar, at codon 211 of the GAA protein (p.Val211Met). This variant is present in population databases (rs760995790, gnomAD 0.04%). This variant has not been reported in the literature in individuals affected with GAA-related conditions. ClinVar contains an entry for this variant (Variation ID: 652721). Advanced modeling of protein sequence and biophysical properties (such as structural, functional, and spatial information, amino acid conservation, physicochemical variation, residue mobility, and thermodynamic stability) performed at Invitae indicates that this missense variant is not expected to disrupt GAA protein function. In summary, the available evidence is currently insufficient to determine the role of this variant in disease. Therefore, it has been classified as a Variant of Uncertain Significance.

Genome-Nilou Lab
Classification: Uncertain significance for Glycogen storage disease, type II. Last evaluated: 2021-09-05. Review status: criteria provided, single submitter. Criteria: ACMG Guidelines, 2015. Collection method: clinical testing. Allele origin: germline. Affected: no.

Department of Pathology and Laboratory Medicine, Sinai Health System
Classification: Uncertain significance for Glycogen storage disease, type II. Last evaluated: 2021-07-30. Review status: criteria provided, single submitter. Criteria: ACMG Guidelines, 2015. Collection method: research. Allele origin: germline.

Natera, Inc.
Classification: Uncertain significance for Glycogen storage disease type II. Last evaluated: 2020-09-16. Review status: no assertion criteria provided. Collection method: clinical testing. Allele origin: germline. Not counted in ClinVar's aggregate classification.

Literature cited by the submitters: PubMed 40225932 (cited by Genomenon, Inc); PubMed 39375771 (cited by 3 submitters); PubMed 39678382 (cited by Ambry Genetics).

NM_000152.5(GAA):c.631G>A (p.Val211Met)

Gene: GAA (alpha glucosidase; plus strand). Cytogenetic location: 17q25.3.
Variant type: single nucleotide variant.
Coding change: c.631G>A on transcript NM_000152.5 (MANE Select); coding-DNA position 631, G replaced by A.
Protein change: p.Val211Met; replaces valine 211 with methionine.
Molecular consequence: missense variant.
Genome position (GRCh38, 1-based): chr17:80,105,833, G>A. VCF-style: chr17-80105833-G-A. GRCh37 (hg19) VCF-style: chr17-78079632-G-A.
Other names: c.631G>A (LRG_673t1); c.631G>A, p.Val211Met (NM_001079803.3, NM_001079804.3); short protein forms V211M.
Identifiers: ClinVar variation 652721 (VCV000652721.18), dbSNP rs760995790, ClinGen allele CA8814949.